The following is an entry in ClinVar:

NM_201384.3(PLEC):c.8497G>A (p.Gly2833Ser)

Gene: PLEC (plectin; minus strand). Cytogenetic location: 8q24.3.
Variant type: single nucleotide variant.
Coding change: c.8497G>A on transcript NM_201384.3 (MANE Select); coding-DNA position 8497, G replaced by A.
Protein change: p.Gly2833Ser; replaces glycine 2833 with serine.
Molecular consequence: missense variant.
Genome position (GRCh38, 1-based): chr8:143,921,324, C>T on the plus strand (G>A on the coding strand, the complement: PLEC is on the minus strand). VCF-style: chr8-143921324-C-T. GRCh37 (hg19) VCF-style: chr8-144995492-C-T.
Other names: c.8578G>A, p.Gly2860Ser (NM_000445.5); c.8455G>A, p.Gly2819Ser (NM_201378.4); c.8431G>A, p.Gly2811Ser (NM_201379.3); c.8908G>A, p.Gly2970Ser (NM_201380.4); c.8401G>A, p.Gly2801Ser (NM_201381.3); c.8497G>A, p.Gly2833Ser (NM_201382.4); c.8509G>A, p.Gly2837Ser (NM_201383.3); short protein forms G2819S, G2860S, G2970S, G2801S, G2811S, G2833S, G2837S.
Identifiers: ClinVar variation 471663 (VCV000471663.14), dbSNP rs782099953, ClinGen allele CA4925287.

ClinVar aggregate classification (germline): Uncertain significance. Review status: criteria provided, multiple submitters, no conflicts (2 of 4 stars). 5 submissions from 5 submitters: Uncertain significance (5). Last evaluated 2026-02-01.

Conditions:
Inborn genetic diseases. Identifiers: MedGen C0950123, MeSH D030342.
Epidermolysis bullosa simplex 5C, with pyloric atresia (EBS5C). Also called: PLEC-Related Epidermolysis Bullosa with Pyloric Atresia; PLEC1-Related Epidermolysis Bullosa with Pyloric Atresia; Epidermolysis bullosa simplex with pyloric atresia. Identifiers: Orphanet 158684, MedGen C2677349, MONDO:0012807, OMIM 612138.
Autosomal recessive limb-girdle muscular dystrophy type 2Q (LGMDR17). Also called: MUSCULAR DYSTROPHY, LIMB-GIRDLE, AUTOSOMAL RECESSIVE 17. Identifiers: Orphanet 254361, MedGen C3150989, MONDO:0013390, OMIM 613723.
Epidermolysis bullosa simplex with nail dystrophy (EBS5D). Identifiers: MedGen C4225309, MONDO:0014661, OMIM 616487.
Epidermolysis bullosa simplex, Ogna type (EBS5A). Also called: Pidermolysis bullosa simplex 5A, Ogna type; EPIDERMOLYSIS BULLOSA SIMPLEX 5A, OGNA TYPE. Identifiers: Orphanet 79401, MedGen C0432317, MONDO:0007555, OMIM 131950.
Epidermolysis bullosa simplex 5B, with muscular dystrophy (EBS5B). Also called: EPIDERMOLYSIS BULLOSA SIMPLEX AND LIMB-GIRDLE MUSCULAR DYSTROPHY; Epidermolysis bullosa simplex with muscular dystrophy. Identifiers: Orphanet 257, MedGen C2931072, MONDO:0009181, OMIM 226670.

Allele frequency attached by ClinVar (database versions not stated): ExAC 0.00002; gnomAD exomes 0.00003 and 0.00004; gnomAD 0.00015 and 0.00018; TOPMed 0.00040.
gnomAD v4.1: 72 of 1,613,782 alleles (0.0045%); highest among the groups gnomAD compares: Admixed American, 0.047%; no homozygotes.

Submissions (5):

Labcorp Genetics (formerly Invitae), Labcorp
Classification: Uncertain significance for Autosomal recessive limb-girdle muscular dystrophy type 2Q; Epidermolysis bullosa simplex, Ogna type; Epidermolysis bullosa simplex with nail dystrophy; Epidermolysis bullosa simplex 5C, with pyloric atresia; Epidermolysis bullosa simplex 5B, with muscular dystrophy. Last evaluated: 2026-02-01. Review status: criteria provided, single submitter. Criteria: Invitae Variant Classification Sherloc (09022015). Collection method: clinical testing. Allele origin: germline.
Comment: This sequence change replaces glycine, which is neutral and non-polar, with serine, which is neutral and polar, at codon 2860 of the PLEC protein (p.Gly2860Ser). This variant is present in population databases (rs782099953, gnomAD 0.007%). This variant has not been reported in the literature in individuals affected with PLEC-related conditions. ClinVar contains an entry for this variant (Variation ID: 471663). An algorithm developed to predict the effect of missense changes on protein structure and function (PolyPhen-2) suggests that this variant is likely to be disruptive. In summary, the available evidence is currently insufficient to determine the role of this variant in disease. Therefore, it has been classified as a Variant of Uncertain Significance.

Ambry Genetics
Classification: Uncertain significance for Inborn genetic diseases. Last evaluated: 2023-12-09. Review status: criteria provided, single submitter. Criteria: Ambry Variant Classification Scheme 2023. Collection method: clinical testing. Allele origin: germline.

Revvity Omics, Revvity
Classification: Uncertain significance. Last evaluated: 2022-05-12. Review status: criteria provided, single submitter. Criteria: ACMG Guidelines, 2015. Collection method: clinical testing. Allele origin: germline.

Athena Diagnostics
Classification: Uncertain significance. Last evaluated: 2019-07-05. Review status: criteria provided, single submitter. Criteria: Athena Diagnostics Criteria. Collection method: clinical testing. Allele origin: germline.

Juno Genomics, Hangzhou Juno Genomics, Inc
Classification: Uncertain significance for Epidermolysis bullosa simplex with nail dystrophy; Epidermolysis bullosa simplex, Ogna type; Epidermolysis bullosa simplex 5B, with muscular dystrophy; Epidermolysis bullosa simplex 5C, with pyloric atresia; Autosomal recessive limb-girdle muscular dystrophy type 2Q. Review status: criteria provided, single submitter. Criteria: ACMG Guidelines, 2015. Collection method: clinical testing. Allele origin: germline.
Comment: Absent from controls (or at extremely low frequency if recessive) in Genome Aggregation Database.;Multiple lines of computational evidence support a deleterious effect on the gene or gene product.